The following is an entry in ClinVar:

NM_145290.4(ADGRA3):c.402-1G>A

Gene: ADGRA3 (adhesion G protein-coupled receptor A3; minus strand). Cytogenetic location: 4p15.2.
Variant type: single nucleotide variant.
Coding change: c.402-1G>A on transcript NM_145290.4 (MANE Select); the canonical splice acceptor site of the intron before coding-DNA position 402, G replaced by A.
Molecular consequence: splice acceptor variant.
Genome position (GRCh38, 1-based): chr4:22,454,938, C>T on the plus strand (G>A on the coding strand, the complement: ADGRA3 is on the minus strand). VCF-style: chr4-22454938-C-T. GRCh37 (hg19) VCF-style: chr4-22456561-C-T.
Identifiers: ClinVar variation 2034631 (VCV002034631.4), dbSNP rs2474821162, ClinGen allele CA356480125.
Genomic context (GRCh38, chr4:22,454,938, plus strand): 5'-TTGGTGAGTCCTCGAAATATGTCTGCATTCAGACATCCTATTCGATTGTTTGTCAGATCC[C>T]TAAGGAGAAGGGTGGAAAAGTGTCTTCAATTAGTTCTCTTGGTTAAAGAAGGTCTCATGC-3'

ClinVar aggregate classification (germline): Uncertain significance (1 of 4 stars; one submission).

Submission:

Labcorp Genetics (formerly Invitae), Labcorp
Classification: Uncertain significance. Last evaluated: 2022-10-07. Review status: criteria provided, single submitter. Criteria: Invitae Variant Classification Sherloc (09022015). Collection method: clinical testing. Allele origin: germline.
Comment: In summary, the available evidence is currently insufficient to determine the role of this variant in disease. Therefore, it has been classified as a Variant of Uncertain Significance. Algorithms developed to predict the effect of sequence changes on RNA splicing suggest that this variant may disrupt the consensus splice site. This variant has not been reported in the literature in individuals affected with ADGRA3-related conditions. This variant is not present in population databases (gnomAD no frequency). This sequence change affects an acceptor splice site in intron 3 of the ADGRA3 gene. It is expected to disrupt RNA splicing. Variants that disrupt the donor or acceptor splice site typically lead to a loss of protein function (PMID: 16199547), however the current clinical and genetic evidence is not sufficient to establish whether loss-of-function variants in ADGRA3 cause disease.

Literature cited by the submitters: PubMed 16199547.